The following is an entry in ClinVar:

ClinVar aggregate classification (germline): Likely benign (1 of 4 stars; one submission).

Allele frequency attached by ClinVar (database versions not stated): gnomAD exomes below 0.00001; gnomAD 0.00001.
gnomAD v4.1: 5 of 1,536,976 alleles (0.00033%); highest among the groups gnomAD compares: South Asian, 0.0048%; no homozygotes.

Submission:

CeGaT Center for Human Genetics Tuebingen
Classification: Likely benign. Last evaluated: 2023-11-01. Review status: criteria provided, single submitter. Criteria: CeGaT Center For Human Genetics Tuebingen Variant Classification Criteria Version 2. Collection method: clinical testing. Allele origin: germline. Affected: yes. Observed: 1 variant allele.
Comment: NRXN3: BP4

NM_001330195.2(NRXN3):c.4217C>T (p.Ser1406Phe)

Gene: NRXN3 (neurexin 3; plus strand). Cytogenetic location: 14q31.1.
Variant type: single nucleotide variant.
Coding change: c.4217C>T on transcript NM_001330195.2 (MANE Select); coding-DNA position 4217, C replaced by T.
Protein change: p.Ser1406Phe; replaces serine 1406 with phenylalanine.
Molecular consequence: missense variant. On other transcripts: non-coding transcript variant (5), intron variant (4).
Genome position (GRCh38, 1-based): chr14:79,861,465, C>T. VCF-style: chr14-79861465-C-T. GRCh37 (hg19) VCF-style: chr14-80327808-C-T.
Other names: c.1415C>T, p.Ser472Phe (NM_001272020.2); c.4127C>T, p.Ser1376Phe (NM_001366425.1); c.4106-198C>T (NM_001366426.1); c.2885-198C>T (NM_004796.6); c.1079-198C>T (NM_001105250.3); c.998-198C>T (NM_138970.5); short protein forms S1376F, S1406F, S472F.
Identifiers: ClinVar variation 2672564 (VCV002672564.23), dbSNP rs759087126, ClinGen allele CA7292448.